The following is an entry in ClinVar:

ClinVar aggregate classification (germline): Uncertain significance. Review status: criteria provided, multiple submitters, no conflicts (2 of 4 stars). 2 submissions from 2 submitters: Uncertain significance (2). Last evaluated 2025-03-11.

Conditions:
Inborn genetic diseases. Identifiers: MedGen C0950123, MeSH D030342.

Submissions (2):

Ambry Genetics
Classification: Uncertain significance for Inborn genetic diseases. Last evaluated: 2025-03-11. Review status: criteria provided, single submitter. Criteria: Ambry Variant Classification Scheme 2023. Collection method: clinical testing. Allele origin: germline.

Labcorp Genetics (formerly Invitae), Labcorp
Classification: Uncertain significance. Last evaluated: 2023-12-09. Review status: criteria provided, single submitter. Criteria: Invitae Variant Classification Sherloc (09022015). Collection method: clinical testing. Allele origin: germline.
Comment: This sequence change replaces glycine, which is neutral and non-polar, with aspartic acid, which is acidic and polar, at codon 1459 of the RTTN protein (p.Gly1459Asp). This variant is not present in population databases (gnomAD no frequency). This variant has not been reported in the literature in individuals affected with RTTN-related conditions. An algorithm developed to predict the effect of missense changes on protein structure and function (PolyPhen-2) suggests that this variant is likely to be disruptive. In summary, the available evidence is currently insufficient to determine the role of this variant in disease. Therefore, it has been classified as a Variant of Uncertain Significance.

NM_173630.4(RTTN):c.4376G>A (p.Gly1459Asp)

Gene: RTTN (rotatin; minus strand). Cytogenetic location: 18q22.2.
Variant type: single nucleotide variant.
Coding change: c.4376G>A on transcript NM_173630.4 (MANE Select); coding-DNA position 4376, G replaced by A.
Protein change: p.Gly1459Asp; replaces glycine 1459 with aspartic acid.
Molecular consequence: missense variant.
Genome position (GRCh38, 1-based): chr18:70,075,540, C>T on the plus strand (G>A on the coding strand, the complement: RTTN is on the minus strand). VCF-style: chr18-70075540-C-T. GRCh37 (hg19) VCF-style: chr18-67742776-C-T.
Other names: c.1640G>A, p.Gly547Asp (NM_001318520.2); c.4376G>A (NM_173630.3); short protein forms G1459D, G547D.
Identifiers: ClinVar variation 2906311 (VCV002906311.4), dbSNP rs2145073936, ClinGen allele CA402681716.